The following is an entry in ClinVar:

NM_001367823.1(ARHGEF18):c.2191C>A (p.Pro731Thr)

Gene: ARHGEF18 (Rho/Rac guanine nucleotide exchange factor 18; plus strand). Cytogenetic location: 19p13.2.
Variant type: single nucleotide variant.
Coding change: c.2191C>A on transcript NM_001367823.1 (MANE Select); coding-DNA position 2191, C replaced by A.
Protein change: p.Pro731Thr; replaces proline 731 with threonine.
Molecular consequence: missense variant.
Genome position (GRCh38, 1-based): chr19:7,458,521, C>A. VCF-style: chr19-7458521-C-A. GRCh37 (hg19) VCF-style: chr19-7523407-C-A.
Other names: c.1465C>A, p.Pro489Thr (NM_001130955.2); c.1153C>A, p.Pro385Thr (NM_001367824.1, NM_015318.4); short protein forms P385T, P489T, P731T.
Identifiers: ClinVar variation 1348522 (VCV001348522.8), dbSNP rs2145867707, ClinGen allele CA403117212.

ClinVar aggregate classification (germline): Uncertain significance. Review status: criteria provided, multiple submitters, no conflicts (2 of 4 stars). 2 submissions from 2 submitters: Uncertain significance (2). Last evaluated 2021-11-10.

Submissions (2):

Blueprint Genetics
Classification: Uncertain significance. Last evaluated: 2021-11-10. Review status: criteria provided, single submitter. Criteria: ACMG Guidelines, 2015. Collection method: clinical testing. Allele origin: germline.

Labcorp Genetics (formerly Invitae), Labcorp
Classification: Uncertain significance. Last evaluated: 2021-04-24. Review status: criteria provided, single submitter. Criteria: Invitae Variant Classification Sherloc (09022015). Collection method: clinical testing. Allele origin: germline.
Comment: This variant has not been reported in the literature in individuals with ARHGEF18-related conditions. This sequence change replaces proline with threonine at codon 543 of the ARHGEF18 protein (p.Pro543Thr). The proline residue is moderately conserved and there is a small physicochemical difference between proline and threonine. This variant is not present in population databases (ExAC no frequency). Algorithms developed to predict the effect of missense changes on protein structure and function are either unavailable or do not agree on the potential impact of this missense change (SIFT: "Tolerated"; PolyPhen-2: "Possibly Damaging"; Align-GVGD: "Class C0"). In summary, the available evidence is currently insufficient to determine the role of this variant in disease. Therefore, it has been classified as a Variant of Uncertain Significance.